The following is an entry in ClinVar:

ClinVar aggregate classification (germline): Pathogenic. Review status: criteria provided, single submitter (1 of 4 stars). 3 submissions from 2 submitters: Pathogenic (1). 2 of the submissions do not count toward it. Last evaluated 2024-01-29.

Conditions:
Tuberous sclerosis syndrome (TSC). Also called: Tuberous Sclerosis Complex; Tuberous sclerosis. Identifiers: Orphanet 805, MedGen C0041341, MONDO:0001734.
Tuberous sclerosis 2 (TSC2). Identifiers: Orphanet 805, MedGen C1860707, MONDO:0013199, OMIM 613254.

Submissions (3):

Labcorp Genetics (formerly Invitae), Labcorp
Classification: Pathogenic for Tuberous sclerosis 2. Last evaluated: 2024-01-29. Review status: criteria provided, single submitter. Criteria: Invitae Variant Classification Sherloc (09022015). Collection method: clinical testing. Allele origin: germline.
Comment: This sequence change creates a premature translational stop signal (p.Ser1437Glyfs*38) in the TSC2 gene. It is expected to result in an absent or disrupted protein product. Loss-of-function variants in TSC2 are known to be pathogenic (PMID: 10205261, 17304050). This variant is not present in population databases (gnomAD no frequency). This variant has not been reported in the literature in individuals affected with TSC2-related conditions. ClinVar contains an entry for this variant (Variation ID: 64937). For these reasons, this variant has been classified as Pathogenic.

Tuberous sclerosis database (TSC2)
No classification provided. Condition: TSC. Review status: no classification provided. Criteria: Tuberous Sclerosis Database Assertion Criteria 2015. Collection method: curation. Allele origin: germline. Affected: yes. Not counted in ClinVar's aggregate classification.

Tuberous sclerosis database (TSC2)
No classification provided. Condition: TSC. Review status: flagged submission. Criteria: Tuberous Sclerosis Database Assertion Criteria 2015. Collection method: curation. Allele origin: germline. Affected: yes. Not counted in ClinVar's aggregate classification.
ClinVar note: Reason: This record appears to be redundant with a more recent record from the same submitter.
ClinVar note: Notes: SCV000067196 appears to be redundant with SCV000083358.

Literature cited by the submitters: PubMed 10205261 (cited by Labcorp Genetics (formerly Invitae), Labcorp); PubMed 17304050 (cited by Labcorp Genetics (formerly Invitae), Labcorp).

NM_000548.5(TSC2):c.4309_4312del (p.Ser1437fs)

Gene: TSC2 (TSC complex subunit 2; plus strand). Cytogenetic location: 16p13.3.
Variant type: Deletion.
Coding change: c.4309_4312del on transcript NM_000548.5 (MANE Select); coding-DNA positions 4309 to 4312, 4 bases deleted (AGTC; older notation c.4309_4312delAGTC).
Protein change: p.Ser1437fs; shifts the reading frame from serine 1437.
Molecular consequence: frameshift variant.
Genome position (GRCh38, 1-based): chr16:2,084,531-2,084,534, AGTC deleted; deleting any 4 consecutive bases within chr16:2,084,530-2,084,534 gives the same sequence; the c. name uses the placement nearest the transcript's 3' end. VCF-style (leftmost placement, unchanged base first): chr16-2084529-ACAGT-A. GRCh37 (hg19) VCF-style: chr16-2134530-ACAGT-A.
Other names: c.4108_4111del, p.Ser1370fs (NM_001077183.3); c.4240_4243del, p.Ser1414fs (NM_001114382.3); c.4000_4003del, p.Ser1334fs (NM_001318827.2); c.3964_3967del, p.Ser1322fs (NM_001318829.2); c.3577_3580del, p.Ser1193fs (NM_001318831.2); c.4141_4144del, p.Ser1381fs (NM_001318832.2); c.4111_4114del, p.Ser1371fs (NM_001363528.2); c.4177_4180del, p.Ser1393fs (NM_001370404.1); and 1 more; short protein forms S1322fs, S1394fs, S1393fs, S1414fs, S1193fs, S1370fs, S1371fs, S1381fs.
Identifiers: ClinVar variation 64937 (VCV000064937.6), dbSNP rs137854415, ClinGen allele CA020229.